The following is an entry in ClinVar:

ClinVar aggregate classification (germline): Uncertain significance (1 of 4 stars; one submission).

Submission:

Labcorp Genetics (formerly Invitae), Labcorp
Classification: Uncertain significance. Last evaluated: 2025-10-27. Review status: criteria provided, single submitter. Criteria: Invitae Variant Classification Sherloc (09022015). Collection method: clinical testing. Allele origin: germline.
Comment: This sequence change replaces serine, which is neutral and polar, with tyrosine, which is neutral and polar, at codon 49 of the HNF1B protein (p.Ser49Tyr). This variant is not present in population databases (gnomAD no frequency). This variant has not been reported in the literature in individuals affected with HNF1B-related conditions. Invitae Evidence Modeling of protein sequence and biophysical properties (such as structural, functional, and spatial information, amino acid conservation, physicochemical variation, residue mobility, and thermodynamic stability) indicates that this missense variant is not expected to disrupt HNF1B protein function with a negative predictive value of 80%. In summary, the available evidence is currently insufficient to determine the role of this variant in disease. Therefore, it has been classified as a Variant of Uncertain Significance.

NM_000458.4(HNF1B):c.146C>A (p.Ser49Tyr)

Gene: HNF1B (HNF1 homeobox B; minus strand). Cytogenetic location: 17q12.
Variant type: single nucleotide variant.
Coding change: c.146C>A on transcript NM_000458.4 (MANE Select); coding-DNA position 146, C replaced by A.
Protein change: p.Ser49Tyr; replaces serine 49 with tyrosine.
Molecular consequence: missense variant.
Genome position (GRCh38, 1-based): chr17:37,744,739, G>T on the plus strand (C>A on the coding strand, the complement: HNF1B is on the minus strand). VCF-style: chr17-37744739-G-T. GRCh37 (hg19) VCF-style: chr17-36104730-G-T.
Other names: c.146C>A, p.Ser49Tyr (NM_001165923.4, NM_001304286.2, NM_001411100.1); short protein forms S49Y.
Identifiers: ClinVar variation 4740058 (VCV004740058.1).